The following is an entry in ClinVar:

ClinVar aggregate classification (germline): Uncertain significance (1 of 4 stars; one submission).

Conditions:
Propionic acidemia (PROP). Also called: GLYCINEMIA, KETOTIC; HYPERGLYCINEMIA WITH KETOACIDOSIS AND LEUKOPENIA; KETOTIC HYPERGLYCINEMIA. Identifiers: Orphanet 35, MedGen C0268579, MONDO:0011628, OMIM 606054, HP:0003571.

Allele frequency attached by ClinVar (database versions not stated): gnomAD exomes below 0.00001.
gnomAD v4.1: 1 of 1,614,158 alleles (0.000062%); highest among the groups gnomAD compares: Non-Finnish European, 0.000085%; no homozygotes.

Submission:

Labcorp Genetics (formerly Invitae), Labcorp
Classification: Uncertain significance for Propionic acidemia. Last evaluated: 2022-06-26. Review status: criteria provided, single submitter. Criteria: Invitae Variant Classification Sherloc (09022015). Collection method: clinical testing. Allele origin: germline.
Comment: This sequence change replaces tyrosine, which is neutral and polar, with cysteine, which is neutral and slightly polar, at codon 277 of the PCCB protein (p.Tyr277Cys). This variant is not present in population databases (gnomAD no frequency). This variant has not been reported in the literature in individuals affected with PCCB-related conditions. Algorithms developed to predict the effect of missense changes on protein structure and function (SIFT, PolyPhen-2, Align-GVGD) all suggest that this variant is likely to be disruptive. In summary, the available evidence is currently insufficient to determine the role of this variant in disease. Therefore, it has been classified as a Variant of Uncertain Significance.

NM_000532.5(PCCB):c.830A>G (p.Tyr277Cys)

Gene: PCCB (propionyl-CoA carboxylase subunit beta; plus strand). Cytogenetic location: 3q22.3.
Variant type: single nucleotide variant.
Coding change: c.830A>G on transcript NM_000532.5 (MANE Select); coding-DNA position 830, A replaced by G.
Protein change: p.Tyr277Cys; replaces tyrosine 277 with cysteine.
Molecular consequence: missense variant.
Genome position (GRCh38, 1-based): chr3:136,298,018, A>G. VCF-style: chr3-136298018-A-G. GRCh37 (hg19) VCF-style: chr3-136016860-A-G.
Other names: c.890A>G, p.Tyr297Cys (NM_001178014.2); short protein forms Y277C, Y297C.
Identifiers: ClinVar variation 2116791 (VCV002116791.4), dbSNP rs2108202806, ClinGen allele CA354644726.